The following is an entry in ClinVar:

ClinVar aggregate classification (germline): Likely benign. Review status: criteria provided, single submitter (1 of 4 stars). 2 submissions from 2 submitters: Likely benign (1). 1 of the submissions does not count toward it. Last evaluated 2022-12-19.

Conditions:
PCNT-related disorder. Also called: PCNT-related condition.

Allele frequency attached by ClinVar (database versions not stated): TOPMed below 0.00001; gnomAD 0.00001; gnomAD exomes 0.00001; ESP Exome Variant Server 0.00008.
gnomAD v4.1: 15 of 1,613,402 alleles (0.00093%); highest among the groups gnomAD compares: Non-Finnish European, 0.0013%; no homozygotes.

Submissions (2):

Labcorp Genetics (formerly Invitae), Labcorp
Classification: Likely benign. Last evaluated: 2022-12-19. Review status: criteria provided, single submitter. Criteria: Invitae Variant Classification Sherloc (09022015). Collection method: clinical testing. Allele origin: germline.

PreventionGenetics, part of Exact Sciences
Classification: Likely benign for PCNT-related condition. Last evaluated: 2022-09-21. Review status: no assertion criteria provided. Collection method: clinical testing. Allele origin: germline. Not counted in ClinVar's aggregate classification.
Comment: This variant is classified as likely benign based on ACMG/AMP sequence variant interpretation guidelines (Richards et al. 2015 PMID: 25741868, with internal and published modifications).

NM_006031.6(PCNT):c.1386A>G (p.Gln462=)

Gene: PCNT (pericentrin; plus strand). Cytogenetic location: 21q22.3.
Variant type: single nucleotide variant.
Coding change: c.1386A>G on transcript NM_006031.6 (MANE Select); coding-DNA position 1386, A replaced by G.
Protein change: p.Gln462=; no amino-acid change (glutamine 462 retained).
Molecular consequence: synonymous variant.
Genome position (GRCh38, 1-based): chr21:46,351,470, A>G. VCF-style: chr21-46351470-A-G. GRCh37 (hg19) VCF-style: chr21-47771384-A-G.
Other names: c.1386A>G (NM_006031.5); c.1032A>G, p.Gln344= (NM_001315529.2).
Identifiers: ClinVar variation 2895912 (VCV002895912.4), dbSNP rs140400317, ClinGen allele CA321995113.